The following is an entry in ClinVar:

NC_000009.11:g.(?_138651496)_(138651725_?)dup

Gene: KCNT1 (potassium sodium-activated channel subfamily T member 1; plus strand). Cytogenetic location: 9q34.3.
Variant type: Duplication.
Identifiers: ClinVar variation 583735 (VCV000583735.8).

ClinVar aggregate classification (germline): Uncertain significance (1 of 4 stars; one submission).

Conditions:
Autosomal dominant nocturnal frontal lobe epilepsy 5. Also called: Epilepsy, nocturnal frontal lobe, 5; CILIARY DYSKINESIA, PRIMARY, 28, WITHOUT SITUS INVERSUS; CILIARY DYSKINESIA, PRIMARY, 28, WITH SITUS INVERSUS; KCNT1-Related Epilepsy. Identifiers: Orphanet 98784, MedGen C3554306, MONDO:0014002, OMIM 615005.
Developmental and epileptic encephalopathy, 14 (DEE14). Also called: Early infantile epileptic encephalopathy 14. Identifiers: Orphanet 293181, MedGen C3554195, MONDO:0013989, OMIM 614959.

Submission:

Labcorp Genetics (formerly Invitae), Labcorp
Classification: Uncertain significance for Autosomal dominant nocturnal frontal lobe epilepsy 5; Developmental and epileptic encephalopathy, 14. Last evaluated: 2020-02-10. Review status: criteria provided, single submitter. Criteria: Invitae Variant Classification Sherloc (09022015). Collection method: clinical testing. Allele origin: germline.
Comment: This variant has not been reported in the literature in individuals with KCNT1-related disease. This variant results in a copy number gain of the genomic region encompassing exon 11 of the KCNT1 gene. While the exact position of this variant cannot be determined from this data, sub-genic copy number gains are generally in tandem (PMID: 25640679) and may result in an absent or disrupted protein product. Experimental studies and prediction algorithms are not available for this variant, and the functional significance of the duplicated amino acids is currently unknown. In summary, the available evidence is currently insufficient to determine the role of this variant in disease. Therefore, it has been classified as a Variant of Uncertain Significance. The current clinical and genetic evidence is not sufficient to establish whether loss-of-function variants in KCNT1 cause disease.

Literature cited by the submitters: PubMed 25640679.